The following is an entry in ClinVar:

ClinVar aggregate classification (germline): Uncertain significance. Review status: criteria provided, multiple submitters, no conflicts (2 of 4 stars). 2 submissions from 2 submitters: Uncertain significance (2). Last evaluated 2025-01-23.

Conditions:
Gastrointestinal stromal tumor. Also called: Gastrointestinal stroma tumor; Gastrointestinal stromal tumor, somatic. Identifiers: Orphanet 44890, MedGen C0238198, MeSH D046152, MONDO:0011719, OMIM 606764, HP:0100723.
Hereditary cancer-predisposing syndrome. Also called: Hereditary Cancer Syndrome; Hereditary neoplastic syndrome; Neoplastic Syndromes, Hereditary; Tumor predisposition. Identifiers: Orphanet 140162, MedGen C0027672, MeSH D009386, MONDO:0015356.

Allele frequency attached by ClinVar (database versions not stated): gnomAD exomes 0.00001.
gnomAD v4.1: 5 of 1,613,634 alleles (0.00031%); highest among the groups gnomAD compares: Non-Finnish European, 0.00042%; no homozygotes.

Submissions (2):

Ambry Genetics
Classification: Uncertain significance for Hereditary cancer-predisposing syndrome. Last evaluated: 2025-01-23. Review status: criteria provided, single submitter. Criteria: Ambry Variant Classification Scheme 2023. Collection method: clinical testing. Allele origin: germline.
Comment: The c.2156+4G>C intronic variant results from a G to C substitution 4 nucleotides after coding exon 14 in the PDGFRA gene. This nucleotide position is not well conserved in available vertebrate species. In silico splice site analysis predicts that this alteration will not have any significant effect on splicing. Based on the available evidence, the clinical significance of this variant remains unclear.

Labcorp Genetics (formerly Invitae), Labcorp
Classification: Uncertain significance for Gastrointestinal stromal tumor. Last evaluated: 2024-08-21. Review status: criteria provided, single submitter. Criteria: Invitae Variant Classification Sherloc (09022015). Collection method: clinical testing. Allele origin: germline.
Comment: This sequence change falls in intron 15 of the PDGFRA gene. It does not directly change the encoded amino acid sequence of the PDGFRA protein. It affects a nucleotide within the consensus splice site. This variant is not present in population databases (gnomAD no frequency). This variant has not been reported in the literature in individuals affected with PDGFRA-related conditions. ClinVar contains an entry for this variant (Variation ID: 2164406). Variants that disrupt the consensus splice site are a relatively common cause of aberrant splicing (PMID: 17576681, 9536098). Algorithms developed to predict the effect of sequence changes on RNA splicing suggest that this variant is not likely to affect RNA splicing. In summary, the available evidence is currently insufficient to determine the role of this variant in disease. Therefore, it has been classified as a Variant of Uncertain Significance.

Literature cited by the submitters: PubMed 17576681 (cited by Labcorp Genetics (formerly Invitae), Labcorp); PubMed 9536098 (cited by Labcorp Genetics (formerly Invitae), Labcorp).

NM_006206.6(PDGFRA):c.2156+4G>C

Gene: PDGFRA (platelet derived growth factor receptor alpha; plus strand). Cytogenetic location: 4q12.
Variant type: single nucleotide variant.
Coding change: c.2156+4G>C on transcript NM_006206.6 (MANE Select); 4 bases into the intron after coding-DNA position 2156, G replaced by C.
Molecular consequence: intron variant.
Genome position (GRCh38, 1-based): chr4:54,278,519, G>C. VCF-style: chr4-54278519-G-C. GRCh37 (hg19) VCF-style: chr4-55144686-G-C.
Other names: c.2231+4G>C (NM_001347828.2); c.2156+4G>C (NM_001347827.2, NM_001347829.2, NM_006206.4); c.2195+4G>C (NM_001347830.2).
Identifiers: ClinVar variation 2164406 (VCV002164406.4), dbSNP rs1723885245, ClinGen allele CA1458537537.